The following is an entry in ClinVar:

NM_022455.5(NSD1):c.4361C>G (p.Ser1454Ter)

Gene: NSD1 (nuclear receptor binding SET domain protein 1; plus strand). Cytogenetic location: 5q35.3.
Variant type: single nucleotide variant.
Coding change: c.4361C>G on transcript NM_022455.5 (MANE Select); coding-DNA position 4361, C replaced by G.
Protein change: p.Ser1454Ter; replaces serine 1454 with a stop codon.
Molecular consequence: nonsense.
Genome position (GRCh38, 1-based): chr5:177,244,253, C>G. VCF-style: chr5-177244253-C-G. GRCh37 (hg19) VCF-style: chr5-176671254-C-G.
Other names: c.3488C>G, p.Ser1163Ter (NM_001409308.1, NM_001409309.1, NM_172349.5 and 3 more transcripts); c.4361C>G, p.Ser1454Ter (NM_001409301.1, NM_001409302.1, NM_001409303.1); c.3941C>G, p.Ser1314Ter (NM_001409304.1); c.3608C>G, p.Ser1203Ter (NM_001409305.1); short protein forms S1185*, S1454*, S1163*, S1203*, S1314*.
Identifiers: ClinVar variation 1321321 (VCV001321321.4), dbSNP rs2149894799, ClinGen allele CA362346753.

ClinVar aggregate classification (germline): Pathogenic (1 of 4 stars; one submission).

Conditions:
Sotos syndrome (SOTOS). Also called: CEREBRAL GIGANTISM; CHROMOSOME 5q35 DELETION SYNDROME; SOTOS SYNDROME 1; Sotos' syndrome; Distinctive facial appearance, overgrowth in childhood, and learning disabilities or delayed development. Identifiers: Orphanet 821, MedGen C0175695, MONDO:0019349, OMIM 117550.

Submission:

Institute of Human Genetics, University of Goettingen
Classification: Pathogenic for Sotos syndrome. Last evaluated: 2021-11-12. Review status: criteria provided, single submitter. Criteria: ACMG Guidelines, 2015. Collection method: clinical testing. Allele origin: unknown. Inheritance: Autosomal dominant inheritance. Affected: yes. Observed: 1 variant allele, 1 heterozygote.
Comment: The variant hasn´t been described before. The mutation results in a premature stop codon and thus to a truncated protein. ACMG: PVS1, PM2, PP3